The following is an entry in ClinVar:

NM_000131.4(F7):c.-96C>A

Gene: F7 (coagulation factor VII; plus strand). Cytogenetic location: 13q34.
Variant type: single nucleotide variant.
Coding change: c.-96C>A on transcript NM_000131.4; 96 bases upstream of the start codon, C replaced by A.
Genome position (GRCh38, 1-based): chr13:113,105,746, C>A. VCF-style: chr13-113105746-C-A. GRCh37 (hg19) VCF-style: chr13-113760060-C-A.
Identifiers: ClinVar variation 2775419 (VCV002775419.2), dbSNP rs2502992250, ClinGen allele CA2623799879.

ClinVar aggregate classification (germline): Uncertain significance (1 of 4 stars; one submission).

Conditions:
Hemophilia. Identifiers: Orphanet 448, MedGen C0684275, MONDO:0018660.

Submission:

MVZ Dr. Eberhard & Partner Dortmund
Classification: Uncertain significance for Hemophilia. Last evaluated: 2023-11-17. Review status: criteria provided, single submitter. Criteria: ACMG Guidelines, 2015. Collection method: clinical testing. Allele origin: unknown. Observed: 1 variant allele.
Comment: This variant was absent from variant databases (HGMD, ClinVar, LOVD). It has not yet been described in the literature and is not found in control groups of different ethnic groups. At the same nucleotide position the substitution of C by T is already known to HGMD as disease causing mutation (PMID: 12472587). Substitutions at nucleotide position -94 (C>G and C>T) are also known and listed as disease causing. All those variants are part of the Sp1 binding site which is thought to be essential for the correct transcripton.